The following is an entry in ClinVar:

ClinVar aggregate classification (germline): Likely benign. Review status: criteria provided, multiple submitters, no conflicts (2 of 4 stars). 5 submissions from 5 submitters: Likely benign (4). 1 of the submissions does not count toward it. Last evaluated 2026-08-01.

Conditions:
NDUFA12-related disorder. Also called: NDUFA12-related condition.

Allele frequency attached by ClinVar (database versions not stated): ESP Exome Variant Server 0.00069; TOPMed 0.00071; gnomAD 0.00073.
gnomAD v4.1: 1,196 of 1,614,190 alleles (0.074%); highest among the groups gnomAD compares: Non-Finnish European, 0.091%; 5 homozygotes.

Submissions (11):

CeGaT Center for Human Genetics Tuebingen
Classification: Likely benign. Last evaluated: 2026-08-01. Review status: criteria provided, single submitter. Criteria: CeGaT Center For Human Genetics Tuebingen Variant Classification Criteria Version 2. Collection method: clinical testing. Allele origin: germline. Affected: yes. Observed: 5 variant alleles.
Comment: NDUFA12: BP4, BP7

Labcorp Genetics (formerly Invitae), Labcorp
Classification: Likely benign. Last evaluated: 2026-01-05. Review status: criteria provided, single submitter. Criteria: Invitae Variant Classification Sherloc (09022015). Collection method: clinical testing. Allele origin: germline.

PreventionGenetics, part of Exact Sciences
Classification: Likely benign for NDUFA12-related condition. Last evaluated: 2024-12-10. Review status: criteria provided, single submitter. Criteria: ACMG Guidelines, 2015. Collection method: clinical testing. Allele origin: germline.
Comment: This variant is classified as likely benign based on ACMG/AMP sequence variant interpretation guidelines (Richards et al. 2015 PMID: 25741868, with internal and published modifications).

GeneDx
Classification: Likely benign. Last evaluated: 2015-05-19. Review status: criteria provided, single submitter. Criteria: GeneDx Variant Classification (06012015). Collection method: clinical testing. Allele origin: germline. Affected: yes.
Comment: This variant is considered likely benign or benign based on one or more of the following criteria: it is a conservative change, it occurs at a poorly conserved position in the protein, it is predicted to be benign by multiple in silico algorithms, and/or has population frequency not consistent with disease.

Mayo Clinic Laboratories, Mayo Clinic
Classification: Likely benign. Last evaluated: 2016-02-19. Review status: no assertion criteria provided. Collection method: clinical testing. Allele origin: unknown. Not counted in ClinVar's aggregate classification.

Dr. Peter K. Rogan Lab, Western University
No classification provided (evidence only). Condition: Familial cancer of breast. Review status: no classification provided. Collection method: in vitro. Allele origin: not applicable. Functional consequence: retained intron. Not counted in ClinVar's aggregate classification.

Dr. Peter K. Rogan Lab, Western University
No classification provided (evidence only). Condition: Familial cancer of breast. Review status: no classification provided. Collection method: in vitro. Allele origin: not applicable. Functional consequence: retained intron. Not counted in ClinVar's aggregate classification.

Dr. Peter K. Rogan Lab, Western University
No classification provided (evidence only). Condition: Thymoma. Review status: no classification provided. Collection method: in vitro. Allele origin: not applicable. Functional consequence: retained intron. Not counted in ClinVar's aggregate classification.

Dr. Peter K. Rogan Lab, Western University
No classification provided (evidence only). Condition: Ovarian serous cystadenocarcinoma. Review status: no classification provided. Collection method: in vitro. Allele origin: not applicable. Functional consequence: retained intron. Not counted in ClinVar's aggregate classification.

Dr. Peter K. Rogan Lab, Western University
No classification provided (evidence only). Condition: Ovarian serous cystadenocarcinoma. Review status: no classification provided. Collection method: in vitro. Allele origin: not applicable. Functional consequence: retained intron. Not counted in ClinVar's aggregate classification.

Dr. Peter K. Rogan Lab, Western University
No classification provided (evidence only). Condition: Gastric cancer. Review status: no classification provided. Collection method: in vitro. Allele origin: not applicable. Functional consequence: retained intron. Not counted in ClinVar's aggregate classification.

NM_018838.5(NDUFA12):c.66C>G (p.Gly22=)

Gene: NDUFA12 (NADH:ubiquinone oxidoreductase subunit A12; minus strand). Cytogenetic location: 12q22.
Variant type: single nucleotide variant.
Coding change: c.66C>G on transcript NM_018838.5 (MANE Select); coding-DNA position 66, C replaced by G.
Protein change: p.Gly22=; no amino-acid change (glycine 22 retained).
Molecular consequence: synonymous variant.
Genome position (GRCh38, 1-based): chr12:95,003,615, G>C on the plus strand (C>G on the coding strand, the complement: NDUFA12 is on the minus strand). VCF-style: chr12-95003615-G-C. GRCh37 (hg19) VCF-style: chr12-95397391-G-C.
Other names: p.G22G:GGC>GGG; c.66C>G, p.Gly22= (NM_001258338.2).
Identifiers: ClinVar variation 214696 (VCV000214696.41), dbSNP rs141719682, ClinGen allele CA323759.